The following is an entry in ClinVar:

ClinVar aggregate classification (germline): Pathogenic (1 of 4 stars; one submission).

Conditions:
Disseminated atypical mycobacterial infection. Identifiers: MedGen C0694566.

Submission:

Labcorp Genetics (formerly Invitae), Labcorp
Classification: Pathogenic for Disseminated atypical mycobacterial infection. Last evaluated: 2022-06-29. Review status: criteria provided, single submitter. Criteria: Invitae Variant Classification Sherloc (09022015). Collection method: clinical testing. Allele origin: germline.
Comment: This premature translational stop signal has been observed in individual(s) with Mendelian susceptibility to mycobacterial disease (PMID: 24220318). This variant is not present in population databases (gnomAD no frequency). This sequence change creates a premature translational stop signal (p.Tyr269Ilefs*8) in the IFNGR1 gene. While this is not anticipated to result in nonsense mediated decay, it is expected to disrupt the last 221 amino acid(s) of the IFNGR1 protein. For these reasons, this variant has been classified as Pathogenic. This variant disrupts the region of the IFNGR1 protein between p.Phe258 and p.Asn274. Other variants in this region have been observed in individuals with autosomal dominant IFNGR1-related conditions (PMID: 10192386, 15589309, 17513528, 18171304, 20015550), which suggests that this may be a clinically significant region of the protein.

Literature cited by the submitters: PubMed 24220318; PubMed 10192386; PubMed 15589309; PubMed 17513528; PubMed 18171304; PubMed 20015550.

NM_000416.3(IFNGR1):c.805del (p.Tyr269fs)

Gene: IFNGR1 (interferon gamma receptor 1; minus strand). Cytogenetic location: 6q23.3.
Variant type: Deletion.
Coding change: c.805del on transcript NM_000416.3 (MANE Select); coding-DNA position 805, one base deleted (T; older notation c.805delT).
Protein change: p.Tyr269fs; shifts the reading frame from tyrosine 269.
Molecular consequence: frameshift variant.
Genome position (GRCh38, 1-based): chr6:137,200,937, A deleted on the plus strand (T on the coding strand, the reverse complement: IFNGR1 is on the minus strand); the first of 5 consecutive A bases (chr6:137,200,937-137,200,941); deleting any one gives the same sequence. VCF-style (leftmost placement, unchanged base first): chr6-137200936-TA-T. GRCh37 (hg19) VCF-style: chr6-137522073-TA-T.
Other names: c.775del, p.Tyr259fs (NM_001363526.1); c.682del, p.Tyr228fs (NM_001363527.1); short protein forms Y259fs, Y228fs, Y269fs.
Identifiers: ClinVar variation 1451799 (VCV001451799.8), dbSNP rs2114462231, ClinGen allele CA2573140592.
Genomic context (GRCh38, chr6:137,200,936, plus strand): 5'-ATTACCAAGGACTTGGGTAATATTATGCTTTTTTCCTTCAATGGATTAATTTTCTTAATA[TA>T]AAAACAGATGAATACCAGGCTAAGCACTAGAAAGAGTAGTAAAGCAGCAACAACTGGAAT-3'